The following is an entry in ClinVar:

NM_003906.5(MCM3AP):c.3227C>A (p.Ser1076Tyr)

Gene: MCM3AP (minichromosome maintenance complex component 3 associated protein; minus strand). Cytogenetic location: 21q22.3.
Variant type: single nucleotide variant.
Coding change: c.3227C>A on transcript NM_003906.5 (MANE Select); coding-DNA position 3227, C replaced by A.
Protein change: p.Ser1076Tyr; replaces serine 1076 with tyrosine.
Molecular consequence: missense variant.
Genome position (GRCh38, 1-based): chr21:46,265,328, G>T on the plus strand (C>A on the coding strand, the complement: MCM3AP is on the minus strand). VCF-style: chr21-46265328-G-T. GRCh37 (hg19) VCF-style: chr21-47685242-G-T.
Other names: c.3227C>A (NM_003906.4); short protein forms S1076Y.
Identifiers: ClinVar variation 1490497 (VCV001490497.6), dbSNP rs142223686, ClinGen allele CA10076590.

ClinVar aggregate classification (germline): Conflicting classifications of pathogenicity. Review status: criteria provided, conflicting classifications (1 of 4 stars). 3 submissions from 3 submitters: Uncertain significance (2); Likely benign (1). Last evaluated 2026-01-26.

Conditions:
Peripheral neuropathy, autosomal recessive, with or without impaired intellectual development. Identifiers: MedGen C4748283, MONDO:0029131, OMIM 618124.

Allele frequency attached by ClinVar (database versions not stated): ESP Exome Variant Server 0.00015; TOPMed 0.00040; gnomAD 0.00041 and 0.00043; ExAC 0.00056; gnomAD exomes 0.00067.
gnomAD v4.1: 737 of 1,613,904 alleles (0.046%); highest among the groups gnomAD compares: Admixed American, 0.16%; 1 homozygote.

Submissions (3):

GeneDx
Classification: Uncertain significance. Last evaluated: 2026-01-26. Review status: criteria provided, single submitter. Criteria: GeneDx Variant Classification Process June 2021. Collection method: clinical testing. Allele origin: germline.
Comment: In silico analysis supports that this missense variant has a deleterious effect on protein structure/function; Has not been previously published as pathogenic or benign to our knowledge

Women's Health and Genetics/Laboratory Corporation of America, LabCorp
Classification: Likely benign. Last evaluated: 2024-12-10. Review status: criteria provided, single submitter. Criteria: LabCorp Variant Classification Summary - May 2015. Collection method: clinical testing. Allele origin: germline.
Comment: Variant summary: MCM3AP c.3227C>A (p.Ser1076Tyr) results in a non-conservative amino acid change in the encoded protein sequence. Four of five in-silico tools predict a damaging effect of the variant on protein function. The variant allele was found at a frequency of 0.00067 in 250954 control chromosomes, predominantly at a frequency of 0.0018 within the Latino subpopulation in the gnomAD database. The observed variant frequency within Latino control individuals in the gnomAD database is approximately 2-fold of the estimated maximal expected allele frequency for a pathogenic variant in MCM3AP causing Peripheral neuropathy, autosomal recessive, with or without impaired intellectual development phenotype (0.0011). c.3227C>A has been reported in the literature in an individual affected with X-linked actinopathy and autoimmunity, co-occurring a hemizygou pathogenic variant in another gene (DOCK11 p.Arg1885Cys). These report(s) do not provide unequivocal conclusions about association of the variant with Peripheral neuropathy, autosomal recessive, with or without impaired intellectual development. To our knowledge, no experimental evidence demonstrating an impact on protein function has been reported. The following publication has been ascertained in the context of this evaluation (PMID: 36952639). ClinVar contains an entry for this variant (Variation ID: 1490497). Based on the evidence outlined above, the variant was classified as likely benign.

Labcorp Genetics (formerly Invitae), Labcorp
Classification: Uncertain significance. Last evaluated: 2022-08-31. Review status: criteria provided, single submitter. Criteria: Invitae Variant Classification Sherloc (09022015). Collection method: clinical testing. Allele origin: germline.
Comment: This sequence change replaces serine, which is neutral and polar, with tyrosine, which is neutral and polar, at codon 1076 of the MCM3AP protein (p.Ser1076Tyr). This variant is present in population databases (rs142223686, gnomAD 0.2%), and has an allele count higher than expected for a pathogenic variant. This variant has not been reported in the literature in individuals affected with MCM3AP-related conditions. ClinVar contains an entry for this variant (Variation ID: 1490497). Algorithms developed to predict the effect of missense changes on protein structure and function are either unavailable or do not agree on the potential impact of this missense change (SIFT: "Deleterious"; PolyPhen-2: "Possibly Damaging"; Align-GVGD: "Class C15"). In summary, the available evidence is currently insufficient to determine the role of this variant in disease. Therefore, it has been classified as a Variant of Uncertain Significance.

Literature cited by the submitters: PubMed 36952639 (cited by Women's Health and Genetics/Laboratory Corporation of America, LabCorp).